The following is an entry in ClinVar:

ClinVar aggregate classification (germline): Uncertain significance (1 of 4 stars; one submission).

Submission:

Labcorp Genetics (formerly Invitae), Labcorp
Classification: Uncertain significance. Last evaluated: 2022-08-01. Review status: criteria provided, single submitter. Criteria: Invitae Variant Classification Sherloc (09022015). Collection method: clinical testing. Allele origin: germline.
Comment: In summary, the available evidence is currently insufficient to determine the role of this variant in disease. Therefore, it has been classified as a Variant of Uncertain Significance. Algorithms developed to predict the effect of missense changes on protein structure and function are either unavailable or do not agree on the potential impact of this missense change (SIFT: "Deleterious"; PolyPhen-2: "Benign"; Align-GVGD: "Class C0"). This variant has not been reported in the literature in individuals affected with EXOSC8-related conditions. This variant is not present in population databases (gnomAD no frequency). This sequence change replaces valine, which is neutral and non-polar, with phenylalanine, which is neutral and non-polar, at codon 179 of the EXOSC8 protein (p.Val179Phe).

NM_181503.3(EXOSC8):c.535G>T (p.Val179Phe)

Gene: EXOSC8 (exosome component 8; plus strand). Cytogenetic location: 13q13.3.
Variant type: single nucleotide variant.
Coding change: c.535G>T on transcript NM_181503.3 (MANE Select); coding-DNA position 535, G replaced by T.
Protein change: p.Val179Phe; replaces valine 179 with phenylalanine.
Molecular consequence: missense variant.
Genome position (GRCh38, 1-based): chr13:37,008,104, G>T. VCF-style: chr13-37008104-G-T. GRCh37 (hg19) VCF-style: chr13-37582241-G-T.
Other names: short protein forms V179F.
Identifiers: ClinVar variation 2020979 (VCV002020979.4), dbSNP rs2501619887, ClinGen allele CA387853389.